The following is an entry in ClinVar:

ClinVar aggregate classification (germline): Conflicting classifications of pathogenicity. Review status: criteria provided, conflicting classifications (1 of 4 stars). 5 submissions from 5 submitters: Uncertain significance (1); Likely benign (3). 1 of the submissions does not count toward it. Last evaluated 2025-12-03.

Conditions:
TFR2-related disorder. Also called: TFR2-related condition.
Hemochromatosis type 3 (HFE3). Also called: TFR2-Related Hemochromatosis; HEMOCHROMATOSIS DUE TO DEFECT IN TRANSFERRIN RECEPTOR 2; Hereditary hemochromatosis type 3. Identifiers: Orphanet 225123, MedGen C1858664, MONDO:0011417, OMIM 604250.
Hereditary hemochromatosis (HFE). Identifiers: MedGen C0392514, MONDO:0006507. Disease mechanism: loss of function.
Inborn genetic diseases. Identifiers: MedGen C0950123, MeSH D030342.

Allele frequency attached by ClinVar (database versions not stated): gnomAD 0.00004; TOPMed 0.00005; gnomAD exomes 0.00007; ESP Exome Variant Server 0.00008; ExAC 0.00009.
gnomAD v4.1: 118 of 1,613,942 alleles (0.0073%); highest among the groups gnomAD compares: Non-Finnish European, 0.009%; no homozygotes.

Submissions (5):

Labcorp Genetics (formerly Invitae), Labcorp
Classification: Likely benign for Hereditary hemochromatosis. Last evaluated: 2025-12-03. Review status: criteria provided, single submitter. Criteria: Invitae Variant Classification Sherloc (09022015). Collection method: clinical testing. Allele origin: germline.

Ambry Genetics
Classification: Likely benign for Inborn genetic diseases. Last evaluated: 2024-10-25. Review status: criteria provided, single submitter. Criteria: Ambry Variant Classification Scheme 2023. Collection method: clinical testing. Allele origin: germline.

Blueprint Genetics
Classification: Likely benign. Last evaluated: 2024-09-12. Review status: criteria provided, single submitter. Criteria: ACMG Guidelines, 2015. Collection method: clinical testing. Allele origin: germline.

Illumina Laboratory Services, Illumina
Classification: Uncertain significance for Hemochromatosis type 3. Last evaluated: 2018-01-12. Review status: criteria provided, single submitter. Criteria: ICSL Variant Classification Criteria 13 December 2019. Collection method: clinical testing. Allele origin: germline.

PreventionGenetics, part of Exact Sciences
Classification: Likely benign for TFR2-related condition. Last evaluated: 2019-04-02. Review status: no assertion criteria provided. Collection method: clinical testing. Allele origin: germline. Not counted in ClinVar's aggregate classification.
Comment: This variant is classified as likely benign based on ACMG/AMP sequence variant interpretation guidelines (Richards et al. 2015 PMID: 25741868, with internal and published modifications).

NM_003227.4(TFR2):c.906G>A (p.Ala302=)

Gene: TFR2 (transferrin receptor 2; minus strand). Cytogenetic location: 7q22.1.
Variant type: single nucleotide variant.
Coding change: c.906G>A on transcript NM_003227.4 (MANE Select); coding-DNA position 906, G replaced by A.
Protein change: p.Ala302=; no amino-acid change (alanine 302 retained).
Molecular consequence: synonymous variant.
Genome position (GRCh38, 1-based): chr7:100,632,142, C>T on the plus strand (G>A on the coding strand, the complement: TFR2 is on the minus strand). VCF-style: chr7-100632142-C-T. GRCh37 (hg19) VCF-style: chr7-100229765-C-T.
Other names: c.393G>A, p.Ala131= (NM_001206855.3).
Identifiers: ClinVar variation 701342 (VCV000701342.18), dbSNP rs146024580, ClinGen allele CA4386667.
Genomic context (GRCh38, chr7:100,632,142, plus strand): 5'-ATGTCCATACACTGCCTGCTGGCTGGACAGGCTTGGCTTGGGTGGGTCCTGGGAGAAGTC[C>T]GCTGGCTCTGGGTATATGAGCACTCCTTGAGCCCCGAAGTCCTGAGCATTGGTCACCTGG-3'
Protein context (NP_003218.2, residues 292-312): AQGVLIYPEP[Ala302=]DFSQDPPKPS